The following is an entry in ClinVar:

NM_000426.4(LAMA2):c.3700_3701insTTTTTTTTTTTTTTTTTTTTTTTTGAGACGGAGTCTCGCTCTGTCGCCCAGGTCGGACTGCGGACTGCAGTGGCGCAATCTCGGCTCACTGCAAGCTCCGCTTCCCGGGTTCACGCCATTCTCCTGCCTCAGCCTCCCGAGTAGCTGGGACTACAGGCGCCCGCCACCGCGCCCGGCTAATTTTTTGTATTTTTAGTAGAGACGGGGTTTCACCTTGTTAGCCAGGATGGTCTCGATCTCCTGACCTCATGATCCACCGCCTCGGCCTCCCAAAGTGCTGGGATTACAGGCGTGAGCCACCGCGCCCGGCCGGAACCTTTT (p.Tyr1234delinsPhePhePhePhePhePhePhePheTer)

Gene: LAMA2 (laminin subunit alpha 2; plus strand). Cytogenetic location: 6q22.33.
Variant type: Microsatellite.
Coding change: c.3700_3701insTTTTTTTTTTTTTTTTTTTTTTTTGAGACGGAGTCTCGCTCTGTCGCCCAGGTCGGACTGCGGACTGCAGTGGCGCAATCTCGGCTCACTGCAAGCTCCGCTTCCCGGGTTCACGCCATTCTCCTGCCTCAGCCTCCCGAGTAGCTGGGACTACAGGCGCCCGCCACCGCGCCCGGCTAATTTTTTGTATTTTTAGTAGAGACGGGGTTTCACCTTGTTAGCCAGGATGGTCTCGATCTCCTGACCTCATGATCCACCGCCTCGGCCTCCCAAAGTGCTGGGATTACAGGCGTGAGCCACCGCGCCCGGCCGGAACCTTTT on transcript NM_000426.4 (MANE Select); coding-DNA positions 3700 to 3701, TTTTTTTTTTTTTTTTTTTTTTTTGAGACGGAGTCTCGCTCTGTCGCCCAGGTCGGACTGCGGACTGCAGTGGCGCAATCTCGGCTCACTGCAAGCTCCGCTTCCCGGGTTCACGCCATTCTCCTGCCTCAGCCTCCCGAGTAGCTGGGACTACAGGCGCCCGCCACCGCGCCCGGCTAATTTTTTGTATTTTTAGTAGAGACGGGGTTTCACCTTGTTAGCCAGGATGGTCTCGATCTCCTGACCTCATGATCCACCGCCTCGGCCTCCCAAAGTGCTGGGATTACAGGCGTGAGCCACCGCGCCCGGCCGGAACCTTTT inserted.
Protein change: p.Tyr1234delinsPhePhePhePhePhePhePhePheTer.
Molecular consequence: nonsense.
Genome position: GRCh38: chr6:129,315,617-129,315,620. GRCh37 (hg19): chr6:129,636,762-129,636,765.
Other names: c.3700_3701insTTTTTTTTTTTTTTTTTTTTTTTTGAGACGGAGTCTCGCTCTGTCGCCCAGGTCGGACTGCGGACTGCAGTGGCGCAATCTCGGCTCACTGCAAGCTCCGCTTCCCGGGTTCACGCCATTCTCCTGCCTCAGCCTCCCGAGTAGCTGGGACTACAGGCGCCCGCCACCGCGCCCGGCTAATTTTTTGTATTTTTAGTAGAGACGGGGTTTCACCTTGTTAGCCAGGATGGTCTCGATCTCCTGACCTCATGATCCACCGCCTCGGCCTCCCAAAGTGCTGGGATTACAGGCGTGAGCCACCGCGCCCGGCCGGAACCTTTT, p.Tyr1234delinsPhePhePhePhePhePhePhePheTer (NM_001079823.2).
Identifiers: ClinVar variation 1073098 (VCV001073098.9).

ClinVar aggregate classification (germline): Pathogenic (1 of 4 stars; one submission).

Conditions:
LAMA2-related muscular dystrophy (LAMA2-RD). Also called: Laminin alpha 2-related dystrophy. Identifiers: MedGen C5679788, MONDO:0100228.

Submission:

Labcorp Genetics (formerly Invitae), Labcorp
Classification: Pathogenic for LAMA2-related muscular dystrophy. Last evaluated: 2018-11-05. Review status: criteria provided, single submitter. Criteria: Invitae Variant Classification Sherloc (09022015). Collection method: clinical testing. Allele origin: germline.
Comment: Retrotransposon insertions including LINE1 (L1), Alu, and SVA (SINE-VNTR-Alu) have been reported to be disease-causing through disruption of either a coding region or splice site (PMID: 19763152, 20307669, 22406018) and loss-of-function variants in LAMA2 are known to be pathogenic (PMID: 18700894). This variant has not been reported in the literature in individuals with LAMA2-related disease. This variant is not present in population databases (ExAC no frequency). This sequence change inserts an Alu retrotransposon in exon 25 of the LAMA2 mRNA (c.3700_3701insAlu), causing a frameshift at codon 1234 (p.Tyr1234fs). The exact size and sequence of the insertion cannot be determined by the current assay. However, the insertion is expected to result in an absent or disrupted protein product. For these reasons, this variant has been classified as Pathogenic.

Literature cited by the submitters: PubMed 19763152; PubMed 20307669; PubMed 22406018; PubMed 18700894.